The following is an entry in ClinVar:

ClinVar aggregate classification (germline): Uncertain significance (1 of 4 stars; one submission).

Submission:

GeneDx
Classification: Uncertain significance. Last evaluated: 2023-08-02. Review status: criteria provided, single submitter. Criteria: GeneDx Variant Classification Process June 2021. Collection method: clinical testing. Allele origin: germline. Affected: yes.
Comment: Not observed at significant frequency in large population cohorts (gnomAD); In silico analysis supports that this missense variant has a deleterious effect on protein structure/function; Has not been previously published as pathogenic or benign to our knowledge

NM_002025.4(AFF2):c.297G>C (p.Lys99Asn)

Gene: AFF2 (ALF transcription elongation factor 2; plus strand). Cytogenetic location: Xq28.
Variant type: single nucleotide variant.
Coding change: c.297G>C on transcript NM_002025.4 (MANE Select); coding-DNA position 297, G replaced by C.
Protein change: p.Lys99Asn; replaces lysine 99 with asparagine.
Molecular consequence: missense variant.
Genome position (GRCh38, 1-based): chrX:148,662,024, G>C. VCF-style: chrX-148662024-G-C. GRCh37 (hg19) VCF-style: chrX-147743545-G-C.
Other names: c.285G>C, p.Lys95Asn (NM_001169122.2, NM_001169123.2, NM_001169125.2); c.297G>C, p.Lys99Asn (NM_001169124.2); short protein forms K95N, K99N.
Identifiers: ClinVar variation 3361801 (VCV003361801.1).